The following is an entry in ClinVar:

NM_032119.4(ADGRV1):c.16293G>T (p.Gln5431His)

Gene: ADGRV1 (adhesion G protein-coupled receptor V1; plus strand). Cytogenetic location: 5q14.3.
Variant type: single nucleotide variant.
Coding change: c.16293G>T on transcript NM_032119.4 (MANE Select); coding-DNA position 16293, G replaced by T.
Protein change: p.Gln5431His; replaces glutamine 5431 with histidine.
Molecular consequence: missense variant. On other transcripts: non-coding transcript variant (1).
Genome position (GRCh38, 1-based): chr5:90,823,521, G>T. VCF-style: chr5-90823521-G-T. GRCh37 (hg19) VCF-style: chr5-90119338-G-T.
Other names: short protein forms Q5431H.
Identifiers: ClinVar variation 1217192 (VCV001217192.3), dbSNP rs753004595, ClinGen allele CA3342109.

ClinVar aggregate classification (germline): Uncertain significance (1 of 4 stars; one submission).

Allele frequency attached by ClinVar (database versions not stated): ExAC 0.00002; gnomAD 0.00003; gnomAD exomes 0.00001.
gnomAD v4.1: 86 of 1,613,842 alleles (0.0053%); highest among the groups gnomAD compares: Non-Finnish European, 0.0072%; no homozygotes.

Submission:

GeneDx
Classification: Uncertain significance. Last evaluated: 2019-10-18. Review status: criteria provided, single submitter. Criteria: GeneDx Variant Classification Process June 2021. Collection method: clinical testing. Allele origin: germline. Affected: yes.
Comment: Not observed at a significant frequency in large population cohorts (Lek et al., 2016); In silico analysis, which includes protein predictors and evolutionary conservation, supports that this variant does not alter protein structure/function; Has not been previously published as pathogenic or benign to our knowledge